The following is an entry in ClinVar:

NM_001999.4(FBN2):c.3529A>G (p.Thr1177Ala)

Gene: FBN2 (fibrillin 2; minus strand). Cytogenetic location: 5q23.3.
Variant type: single nucleotide variant.
Coding change: c.3529A>G on transcript NM_001999.4 (MANE Select); coding-DNA position 3529, A replaced by G.
Protein change: p.Thr1177Ala; replaces threonine 1177 with alanine.
Molecular consequence: missense variant.
Genome position (GRCh38, 1-based): chr5:128,338,066, T>C on the plus strand (A>G on the coding strand, the complement: FBN2 is on the minus strand). VCF-style: chr5-128338066-T-C. GRCh37 (hg19) VCF-style: chr5-127673758-T-C.
Other names: short protein forms T1177A.
Identifiers: ClinVar variation 4993770 (VCV004993770.1).

ClinVar aggregate classification (germline): Uncertain significance (1 of 4 stars; one submission).

Conditions:
FBN2-related disorder. Also called: FBN2-related condition.

gnomAD v4.1: 1 of 1,613,942 alleles (0.000062%); highest among the groups gnomAD compares: African/African-American, 0.0013%; no homozygotes.

Submission:

PreventionGenetics, part of Exact Sciences
Classification: Uncertain significance for FBN2-related condition. Last evaluated: 2026-06-15. Review status: criteria provided, single submitter. Criteria: ACMG Guidelines, 2015. Collection method: clinical testing. Allele origin: germline.
Comment: The FBN2 c.3529A>G variant is predicted to result in the amino acid substitution p.Thr1177Ala. To our knowledge, this variant has not been reported in the literature or in a large population database (gnomAD), indicating this variant is rare. At this time, the clinical significance of this variant is uncertain due to the absence of conclusive functional and genetic evidence.